The following is an entry in ClinVar:

NM_000321.3(RB1):c.1217A>G (p.Asn406Ser)

Gene: RB1 (RB transcriptional corepressor 1; plus strand). Cytogenetic location: 13q14.2.
Variant type: single nucleotide variant.
Coding change: c.1217A>G on transcript NM_000321.3 (MANE Select); coding-DNA position 1217, A replaced by G.
Protein change: p.Asn406Ser; replaces asparagine 406 with serine.
Molecular consequence: missense variant.
Genome position (GRCh38, 1-based): chr13:48,376,919, A>G. VCF-style: chr13-48376919-A-G. GRCh37 (hg19) VCF-style: chr13-48951055-A-G.
Other names: c.1217A>G, p.Asn406Ser (NM_001407165.1, NM_001407166.1); short protein forms N406S.
Identifiers: ClinVar variation 4712305 (VCV004712305.1).
Genomic context (GRCh38, chr13:48,376,919, plus strand): 5'-AATATTAATTCTGATTACACAGTATCCTCGACATTGATTTCTGTTTTTACCTCCTAAAGA[A>G]CTGCACAGTGAATCCAAAAGAAAGTATACTGAAAAGAGTGAAGGATATAGGATACATCTT-3'
Protein context (NP_000312.2, residues 396-416): PSENLISYFN[Asn406Ser]CTVNPKESIL

ClinVar aggregate classification (germline): Uncertain significance (1 of 4 stars; one submission).

Conditions:
Retinoblastoma (RB1). Also called: RETINOBLASTOMA, SOMATIC. Identifiers: Orphanet 790, MedGen C0035335, MeSH D012175, MONDO:0008380, OMIM 180200, HP:0009919. Disease mechanism: loss of function. Inheritance: Both sporadic and heritable forms are tested..

Submission:

Labcorp Genetics (formerly Invitae), Labcorp
Classification: Uncertain significance for Retinoblastoma. Last evaluated: 2025-02-04. Review status: criteria provided, single submitter. Criteria: Invitae Variant Classification Sherloc (09022015). Collection method: clinical testing. Allele origin: germline.
Comment: This sequence change replaces asparagine, which is neutral and polar, with serine, which is neutral and polar, at codon 406 of the RB1 protein (p.Asn406Ser). This variant is not present in population databases (gnomAD no frequency). This variant has not been reported in the literature in individuals affected with RB1-related conditions. An algorithm developed to predict the effect of missense changes on protein structure and function (PolyPhen-2) suggests that this variant is likely to be tolerated. In summary, the available evidence is currently insufficient to determine the role of this variant in disease. Therefore, it has been classified as a Variant of Uncertain Significance.